The following is an entry in ClinVar:

ClinVar aggregate classification (germline): Likely benign (0 of 4 stars; one submission).

Conditions:
ARHGAP25-related condition.

gnomAD v4.1: 3,307 of 1,607,962 alleles (0.21%); highest among the groups gnomAD compares: Non-Finnish European, 0.25%; 4 homozygotes.

Submission:

PreventionGenetics, part of Exact Sciences
Classification: Likely benign for ARHGAP25-related condition. Last evaluated: 2024-09-03. Review status: no assertion criteria provided. Collection method: clinical testing. Allele origin: germline.
Comment: This variant is classified as likely benign based on ACMG/AMP sequence variant interpretation guidelines (Richards et al. 2015 PMID: 25741868, with internal and published modifications).

NM_001007231.3(ARHGAP25):c.1065C>G (p.Pro355=)

Gene: ARHGAP25 (Rho GTPase activating protein 25; plus strand). Cytogenetic location: 2p13.3.
Variant type: single nucleotide variant.
Coding change: c.1065C>G on transcript NM_001007231.3 (MANE Select); coding-DNA position 1065, C replaced by G.
Protein change: p.Pro355=; no amino-acid change (proline 355 retained).
Molecular consequence: synonymous variant.
Genome position (GRCh38, 1-based): chr2:68,819,184, C>G. VCF-style: chr2-68819184-C-G. GRCh37 (hg19) VCF-style: chr2-69046316-C-G.
Other names: c.1044C>G, p.Pro348= (NM_001166276.2); c.945C>G, p.Pro315= (NM_001166277.2); c.1062C>G, p.Pro354= (NM_001364819.1); c.948C>G, p.Pro316= (NM_001364820.1); c.987C>G, p.Pro329= (NM_001364821.1); c.1041C>G, p.Pro347= (NM_014882.3).
Identifiers: ClinVar variation 3350491 (VCV003350491.1).